The following is an entry in ClinVar:

NM_001271.4(CHD2):c.4178A>G (p.Lys1393Arg)

Gene: CHD2 (chromodomain helicase DNA binding protein 2; plus strand). Cytogenetic location: 15q26.1.
Variant type: single nucleotide variant.
Coding change: c.4178A>G on transcript NM_001271.4 (MANE Select); coding-DNA position 4178, A replaced by G.
Protein change: p.Lys1393Arg; replaces lysine 1393 with arginine.
Molecular consequence: missense variant.
Genome position (GRCh38, 1-based): chr15:93,002,217, A>G. VCF-style: chr15-93002217-A-G. GRCh37 (hg19) VCF-style: chr15-93545447-A-G.
Other names: short protein forms K1393R.
Identifiers: ClinVar variation 5020790 (VCV005020790.1).

ClinVar aggregate classification (germline): Uncertain significance (1 of 4 stars; one submission).

Submission:

Dasa
Classification: Uncertain significance. Last evaluated: 2025-11-20. Review status: criteria provided, single submitter. Criteria: DASA Assertion Criteria. Collection method: clinical testing. Allele origin: germline.
Comment: NM_001271.4(CHD2):c.4178A>G (p.Lys1393Arg) is a missense variant that results in the substitution of lysine with arginine. This variant is rare in population databases. Computational prediction algorithms are consistent with a benign effect. The currently available literature and clinical evidence are not sufficient to establish a definitive association between this variant and the reported condition. Therefore, this variant is classified as a variant of uncertain significance.